The following is an entry in ClinVar:

ClinVar aggregate classification (germline): Uncertain significance (1 of 4 stars; one submission).

Allele frequency attached by ClinVar (database versions not stated): gnomAD exomes below 0.00001; ExAC 0.00001; ESP Exome Variant Server 0.00008.
gnomAD v4.1: 1 of 1,612,914 alleles (0.000062%); highest among the groups gnomAD compares: South Asian, 0.0011%; no homozygotes.

Submission:

Labcorp Genetics (formerly Invitae), Labcorp
Classification: Uncertain significance. Last evaluated: 2023-04-06. Review status: criteria provided, single submitter. Criteria: Invitae Variant Classification Sherloc (09022015). Collection method: clinical testing. Allele origin: germline.
Comment: This sequence change replaces serine, which is neutral and polar, with phenylalanine, which is neutral and non-polar, at codon 1010 of the AUTS2 protein (p.Ser1010Phe). This variant is present in population databases (rs375599992, gnomAD 0.0009%). This variant has not been reported in the literature in individuals affected with AUTS2-related conditions. Advanced modeling of protein sequence and biophysical properties (such as structural, functional, and spatial information, amino acid conservation, physicochemical variation, residue mobility, and thermodynamic stability) has been performed at Invitae for this missense variant, however the output from this modeling did not meet the statistical confidence thresholds required to predict the impact of this variant on AUTS2 protein function. In summary, the available evidence is currently insufficient to determine the role of this variant in disease. Therefore, it has been classified as a Variant of Uncertain Significance.

NM_015570.4(AUTS2):c.3029C>T (p.Ser1010Phe)

Gene: AUTS2 (activator of transcription and developmental regulator AUTS2; plus strand). Cytogenetic location: 7q11.22.
Variant type: single nucleotide variant.
Coding change: c.3029C>T on transcript NM_015570.4 (MANE Select); coding-DNA position 3029, C replaced by T.
Protein change: p.Ser1010Phe; replaces serine 1010 with phenylalanine.
Molecular consequence: missense variant.
Genome position (GRCh38, 1-based): chr7:70,790,245, C>T. VCF-style: chr7-70790245-C-T. GRCh37 (hg19) VCF-style: chr7-70255231-C-T.
Other names: c.2957C>T, p.Ser986Phe (NM_001127231.3); short protein forms S986F, S1010F.
Identifiers: ClinVar variation 2852940 (VCV002852940.3), dbSNP rs375599992, ClinGen allele CA4281249.
Genomic context (GRCh38, chr7:70,790,245, plus strand): 5'-ATGACCTGCCTCCAGAGGCCCCGCAGACCCACCGGGCCTCGGAGCCGCCGCCTCCCAACT[C>T]CTCGTCCAGCGTGCACCCGGGGCCCCTGGCCTCGATGCCCATGACGGTGGGGGTGACGGG-3'
Protein context (NP_056385.1, residues 1000-1020): HRASEPPPPN[Ser1010Phe]SSSVHPGPLA